The following is an entry in ClinVar:

ClinVar aggregate classification (germline): Uncertain significance. Review status: criteria provided, multiple submitters, no conflicts (2 of 4 stars). 2 submissions from 2 submitters: Uncertain significance (2). Last evaluated 2025-08-09.

Conditions:
Inborn genetic diseases. Identifiers: MedGen C0950123, MeSH D030342.

Allele frequency attached by ClinVar (database versions not stated): gnomAD exomes 0.00002; gnomAD 0.00003; ExAC 0.00004; TOPMed 0.00004.
gnomAD v4.1: 25 of 1,610,624 alleles (0.0016%); highest among the groups gnomAD compares: African/African-American, 0.008%; no homozygotes.

Submissions (2):

Ambry Genetics
Classification: Uncertain significance for Inborn genetic diseases. Last evaluated: 2025-08-09. Review status: criteria provided, single submitter. Criteria: Ambry Variant Classification Scheme 2023. Collection method: clinical testing. Allele origin: germline.

Labcorp Genetics (formerly Invitae), Labcorp
Classification: Uncertain significance. Last evaluated: 2022-01-02. Review status: criteria provided, single submitter. Criteria: Invitae Variant Classification Sherloc (09022015). Collection method: clinical testing. Allele origin: germline.
Comment: In summary, the available evidence is currently insufficient to determine the role of this variant in disease. Therefore, it has been classified as a Variant of Uncertain Significance. Algorithms developed to predict the effect of missense changes on protein structure and function are either unavailable or do not agree on the potential impact of this missense change (SIFT: "Deleterious"; PolyPhen-2: "Benign"; Align-GVGD: "Class C0"). This variant has not been reported in the literature in individuals affected with HELLS-related conditions. This variant is present in population databases (rs781780355, gnomAD 0.01%). This sequence change replaces serine, which is neutral and polar, with leucine, which is neutral and non-polar, at codon 179 of the HELLS protein (p.Ser179Leu).

NM_018063.5(HELLS):c.536C>T (p.Ser179Leu)

Gene: HELLS (helicase, lymphoid specific; plus strand). Cytogenetic location: 10q23.33.
Variant type: single nucleotide variant.
Coding change: c.536C>T on transcript NM_018063.5 (MANE Select); coding-DNA position 536, C replaced by T.
Protein change: p.Ser179Leu; replaces serine 179 with leucine.
Molecular consequence: missense variant. On other transcripts: 5 prime UTR variant (2).
Genome position (GRCh38, 1-based): chr10:94,574,018, C>T. VCF-style: chr10-94574018-C-T. GRCh37 (hg19) VCF-style: chr10-96333775-C-T.
Other names: c.536C>T, p.Ser179Leu (NM_001289067.2, NM_001289069.2, NM_001289070.2 and 1 more transcripts); c.488C>T, p.Ser163Leu (NM_001289068.2); c.164C>T, p.Ser55Leu (NM_001289071.2); c.122C>T, p.Ser41Leu (NM_001289073.2); c.-467C>T (NM_001289074.2); c.-486C>T (NM_001289075.2); c.536C>T (NM_018063.3); short protein forms S41L, S163L, S179L, S55L.
Identifiers: ClinVar variation 1940689 (VCV001940689.6), dbSNP rs781780355, ClinGen allele CA5615328.